The following is an entry in ClinVar:

ClinVar aggregate classification (germline): Uncertain significance (1 of 4 stars; one submission).

Conditions:
Congenital hyperammonemia, type I. Also called: Carbamoyl phosphate synthetase I deficiency disease; CPS I DEFICIENCY; Carbamoyl phosphate synthetase 1 deficiency; Hyperammonemia due to carbamoyl phosphate synthetase 1 deficiency; CPS 1 deficiency; Carbamyl phosphate synthetase (CPS) deficiency. Identifiers: Orphanet 147, MedGen C4082171, MONDO:0009376, OMIM 237300.

Submission:

Labcorp Genetics (formerly Invitae), Labcorp
Classification: Uncertain significance for Congenital hyperammonemia, type I. Last evaluated: 2019-11-26. Review status: criteria provided, single submitter. Criteria: Invitae Variant Classification Sherloc (09022015). Collection method: clinical testing. Allele origin: germline.
Comment: In summary, the available evidence is currently insufficient to determine the role of this variant in disease. Therefore, it has been classified as a Variant of Uncertain Significance. Algorithms developed to predict the effect of missense changes on protein structure and function (SIFT, PolyPhen-2, Align-GVGD) all suggest that this variant is likely to be tolerated, but these predictions have not been confirmed by published functional studies and their clinical significance is uncertain. This variant has not been reported in the literature in individuals with CPS1-related conditions. This variant is not present in population databases (ExAC no frequency). This sequence change replaces phenylalanine with serine at codon 1143 of the CPS1 protein (p.Phe1143Ser). The phenylalanine residue is moderately conserved and there is a large physicochemical difference between phenylalanine and serine.

NM_001875.5(CPS1):c.3428T>C (p.Phe1143Ser)

Gene: CPS1 (carbamoyl-phosphate synthase 1; plus strand). Cytogenetic location: 2q34.
Variant type: single nucleotide variant.
Coding change: c.3428T>C on transcript NM_001875.5 (MANE Select); coding-DNA position 3428, T replaced by C.
Protein change: p.Phe1143Ser; replaces phenylalanine 1143 with serine.
Molecular consequence: missense variant. On other transcripts: non-coding transcript variant (2).
Genome position (GRCh38, 1-based): chr2:210,650,386, T>C. VCF-style: chr2-210650386-T-C. GRCh37 (hg19) VCF-style: chr2-211515110-T-C.
Other names: c.3428T>C, p.Phe1143Ser (NM_001122633.3, NM_001369257.1); c.3461T>C, p.Phe1154Ser (NM_001369256.1); short protein forms F1154S, F1143S.
Identifiers: ClinVar variation 836140 (VCV000836140.9), dbSNP rs1700522933, ClinGen allele CA350436899.
Genomic context (GRCh38, chr2:210,650,386, plus strand): 5'-TAAACCTGACCTGCTTTTTTTCCCCTTCCTTTTCCAGTGGGTCTGCTATGAATGTGGTAT[T>C]CTCTGAGGATGAGATGAAAAAATTCCTAGAAGAGGCGACTAGAGTTTCTCAGGTAGTGTC-3'
Protein context (NP_001866.2, residues 1133-1153): VLSGSAMNVV[Phe1143Ser]SEDEMKKFLE